The following is an entry in ClinVar:

NM_000065.5(C6):c.2621C>T (p.Ser874Leu)

Gene: C6 (complement C6; minus strand). Cytogenetic location: 5p13.1.
Variant type: single nucleotide variant.
Coding change: c.2621C>T on transcript NM_000065.5 (MANE Select); coding-DNA position 2621, C replaced by T.
Protein change: p.Ser874Leu; replaces serine 874 with leucine.
Molecular consequence: missense variant.
Genome position (GRCh38, 1-based): chr5:41,149,243, G>A on the plus strand (C>T on the coding strand, the complement: C6 is on the minus strand). VCF-style: chr5-41149243-G-A. GRCh37 (hg19) VCF-style: chr5-41149345-G-A.
Other names: c.2621C>T, p.Ser874Leu (NM_001115131.4); short protein forms S874L.
Identifiers: ClinVar variation 1346219 (VCV001346219.8), dbSNP rs1354265412, ClinGen allele CA359592766.
Genomic context (GRCh38, chr5:41,149,243, plus strand): 5'-TACTAGCTGAGATGAAGGTTAAGTGAGAGCATTTAGTATGGTCACCATTGGAACTTACCT[G>A]AACATTTTTCCCAGTCATAGCAGGTGTCATAGCCACAGGATTCTTTCTTTGTGCTGTTGG-3'
Protein context (NP_000056.2, residues 864-884): YDTCYDWEKC[Ser874Leu]ASTSKCVCLL

ClinVar aggregate classification (germline): Uncertain significance (1 of 4 stars; one submission).

Submission:

Labcorp Genetics (formerly Invitae), Labcorp
Classification: Uncertain significance. Last evaluated: 2021-06-14. Review status: criteria provided, single submitter. Criteria: Invitae Variant Classification Sherloc (09022015). Collection method: clinical testing. Allele origin: germline.
Comment: In summary, the available evidence is currently insufficient to determine the role of this variant in disease. Therefore, it has been classified as a Variant of Uncertain Significance. Algorithms developed to predict the effect of missense changes on protein structure and function output the following: SIFT: "Tolerated"; PolyPhen-2: "Benign"; Align-GVGD: "Class C0". The leucine amino acid residue is found in multiple mammalian species, suggesting that this missense change does not adversely affect protein function. These predictions have not been confirmed by published functional studies and their clinical significance is uncertain. This variant has not been reported in the literature in individuals with C6-related conditions. This variant is not present in population databases (ExAC no frequency). This sequence change replaces serine with leucine at codon 874 of the C6 protein (p.Ser874Leu). The serine residue is moderately conserved and there is a large physicochemical difference between serine and leucine.